The following is an entry in ClinVar:

ClinVar aggregate classification (germline): Uncertain significance (1 of 4 stars; one submission).

Conditions:
Epidermolysis bullosa simplex with nail dystrophy (EBS5D). Identifiers: MedGen C4225309, MONDO:0014661, OMIM 616487.
Epidermolysis bullosa simplex, Ogna type (EBS5A). Also called: EPIDERMOLYSIS BULLOSA SIMPLEX 5A, OGNA TYPE; Pidermolysis bullosa simplex 5A, Ogna type. Identifiers: Orphanet 79401, MedGen C0432317, MONDO:0007555, OMIM 131950.
Autosomal recessive limb-girdle muscular dystrophy type 2Q (LGMDR17). Also called: MUSCULAR DYSTROPHY, LIMB-GIRDLE, AUTOSOMAL RECESSIVE 17. Identifiers: Orphanet 254361, MedGen C3150989, MONDO:0013390, OMIM 613723.
Epidermolysis bullosa simplex 5B, with muscular dystrophy (EBS5B). Also called: EPIDERMOLYSIS BULLOSA SIMPLEX AND LIMB-GIRDLE MUSCULAR DYSTROPHY; Epidermolysis bullosa simplex with muscular dystrophy. Identifiers: Orphanet 257, MedGen C2931072, MONDO:0009181, OMIM 226670.
Epidermolysis bullosa simplex 5C, with pyloric atresia (EBS5C). Also called: PLEC-Related Epidermolysis Bullosa with Pyloric Atresia; Epidermolysis bullosa simplex with pyloric atresia; PLEC1-Related Epidermolysis Bullosa with Pyloric Atresia. Identifiers: Orphanet 158684, MedGen C2677349, MONDO:0012807, OMIM 612138.

gnomAD v4.1: 4 of 1,611,126 alleles (0.00025%); highest among the groups gnomAD compares: Non-Finnish European, 0.00034%; no homozygotes.

Submission:

Labcorp Genetics (formerly Invitae), Labcorp
Classification: Uncertain significance for Autosomal recessive limb-girdle muscular dystrophy type 2Q; Epidermolysis bullosa simplex, Ogna type; Epidermolysis bullosa simplex with nail dystrophy; Epidermolysis bullosa simplex 5C, with pyloric atresia; Epidermolysis bullosa simplex 5B, with muscular dystrophy. Last evaluated: 2025-07-23. Review status: criteria provided, single submitter. Criteria: Invitae Variant Classification Sherloc (09022015). Collection method: clinical testing. Allele origin: germline.
Comment: This sequence change replaces arginine, which is basic and polar, with cysteine, which is neutral and slightly polar, at codon 4413 of the PLEC protein (p.Arg4413Cys). The frequency data for this variant in the population databases is considered unreliable, as metrics indicate poor data quality at this position in the gnomAD database. This variant has not been reported in the literature in individuals affected with PLEC-related conditions. Invitae Evidence Modeling of protein sequence and biophysical properties (such as structural, functional, and spatial information, amino acid conservation, physicochemical variation, residue mobility, and thermodynamic stability) has been performed for this missense variant. However, the output from this modeling did not meet the statistical confidence thresholds required to predict the impact of this variant on PLEC protein function. In summary, the available evidence is currently insufficient to determine the role of this variant in disease. Therefore, it has been classified as a Variant of Uncertain Significance.

NM_201384.3(PLEC):c.13156C>T (p.Arg4386Cys)

Gene: PLEC (plectin; minus strand). Cytogenetic location: 8q24.3.
Variant type: single nucleotide variant.
Coding change: c.13156C>T on transcript NM_201384.3 (MANE Select); coding-DNA position 13156, C replaced by T.
Protein change: p.Arg4386Cys; replaces arginine 4386 with cysteine.
Molecular consequence: missense variant.
Genome position (GRCh38, 1-based): chr8:143,916,665, G>A on the plus strand (C>T on the coding strand, the complement: PLEC is on the minus strand). VCF-style: chr8-143916665-G-A. GRCh37 (hg19) VCF-style: chr8-144990833-G-A.
Other names: c.13237C>T, p.Arg4413Cys (NM_000445.5); c.9856C>T, p.Arg3286Cys (NM_001410941.1); c.13114C>T, p.Arg4372Cys (NM_201378.4); c.13090C>T, p.Arg4364Cys (NM_201379.3); c.13567C>T, p.Arg4523Cys (NM_201380.4); c.13060C>T, p.Arg4354Cys (NM_201381.3); c.13156C>T, p.Arg4386Cys (NM_201382.4); c.13168C>T, p.Arg4390Cys (NM_201383.3); short protein forms R3286C, R4364C, R4372C, R4413C, R4523C, R4386C, R4354C, R4390C.
Identifiers: ClinVar variation 4787657 (VCV004787657.1).